The following is an entry in ClinVar:

NM_032656.4(DHX37):c.3137C>T (p.Pro1046Leu)

Gene: DHX37 (DEAH-box helicase 37; minus strand). Cytogenetic location: 12q24.31.
Variant type: single nucleotide variant.
Coding change: c.3137C>T on transcript NM_032656.4 (MANE Select); coding-DNA position 3137, C replaced by T.
Protein change: p.Pro1046Leu; replaces proline 1046 with leucine.
Molecular consequence: missense variant.
Genome position (GRCh38, 1-based): chr12:124,950,228, G>A on the plus strand (C>T on the coding strand, the complement: DHX37 is on the minus strand). VCF-style: chr12-124950228-G-A. GRCh37 (hg19) VCF-style: chr12-125434774-G-A.
Other names: short protein forms P1046L.
Identifiers: ClinVar variation 4750858 (VCV004750858.1).

ClinVar aggregate classification (germline): Uncertain significance (1 of 4 stars; one submission).

gnomAD v4.1: 20 of 1,613,642 alleles (0.0012%); highest among the groups gnomAD compares: Middle Eastern, 0.016%; no homozygotes.

Submission:

Labcorp Genetics (formerly Invitae), Labcorp
Classification: Uncertain significance. Last evaluated: 2025-10-17. Review status: criteria provided, single submitter. Criteria: Invitae Variant Classification Sherloc (09022015). Collection method: clinical testing. Allele origin: germline.
Comment: This sequence change replaces proline, which is neutral and non-polar, with leucine, which is neutral and non-polar, at codon 1046 of the DHX37 protein (p.Pro1046Leu). This variant is present in population databases (rs370124546, gnomAD 0.003%). This variant has not been reported in the literature in individuals affected with DHX37-related conditions. Invitae Evidence Modeling of protein sequence and biophysical properties (such as structural, functional, and spatial information, amino acid conservation, physicochemical variation, residue mobility, and thermodynamic stability) indicates that this missense variant is not expected to disrupt DHX37 protein function with a negative predictive value of 80%. In summary, the available evidence is currently insufficient to determine the role of this variant in disease. Therefore, it has been classified as a Variant of Uncertain Significance.